The following is an entry in ClinVar:

NC_000023.11:g.101837518G>A

Gene: NXF5 (nuclear RNA export factor 5; minus strand). Cytogenetic location: Xq22.1.
Variant type: single nucleotide variant.
Molecular consequence: non-coding transcript variant (on NR_028089.1).
Genome position: GRCh38 VCF-style: chrX-101837518-G-A. GRCh37 (hg19) VCF-style: chrX-101092490-G-A.
Identifiers: ClinVar variation 2172739 (VCV002172739.28), dbSNP rs61756016, ClinGen allele CA10474470.

ClinVar aggregate classification (germline): Likely benign. Review status: criteria provided, multiple submitters, no conflicts (2 of 4 stars). 2 submissions from 2 submitters: Likely benign (2). Last evaluated 2025-06-12.

Allele frequency attached by ClinVar (database versions not stated): TOPMed 0.00007; gnomAD exomes 0.00017; gnomAD 0.00019; 1000 Genomes Project 30x 0.00021; 1000 Genomes Project 0.00026; ExAC 0.00035.

Submissions (2):

Labcorp Genetics (formerly Invitae), Labcorp
Classification: Likely benign. Last evaluated: 2025-06-12. Review status: criteria provided, single submitter. Criteria: Invitae Variant Classification Sherloc (09022015). Collection method: clinical testing. Allele origin: germline.

CeGaT Center for Human Genetics Tuebingen
Classification: Likely benign. Last evaluated: 2023-01-01. Review status: criteria provided, single submitter. Criteria: CeGaT Center For Human Genetics Tuebingen Variant Classification Criteria Version 2. Collection method: clinical testing. Allele origin: germline. Affected: yes. Observed: 1 variant allele.
Comment: NXF5: BP4, BP7, BS2